The following is an entry in ClinVar:

NM_006662.3(SRCAP):c.3286A>T (p.Thr1096Ser)

Gene: SRCAP (Snf2 related CREBBP activator protein; plus strand). Cytogenetic location: 16p11.2.
Variant type: single nucleotide variant.
Coding change: c.3286A>T on transcript NM_006662.3 (MANE Select); coding-DNA position 3286, A replaced by T.
Protein change: p.Thr1096Ser; replaces threonine 1096 with serine.
Molecular consequence: missense variant.
Genome position (GRCh38, 1-based): chr16:30,721,221, A>T. VCF-style: chr16-30721221-A-T. GRCh37 (hg19) VCF-style: chr16-30732542-A-T.
Other names: short protein forms T1096S.
Identifiers: ClinVar variation 4823905 (VCV004823905.1).
Genomic context (GRCh38, chr16:30,721,221, plus strand): 5'-CTGACAGGTGTTTGCTTTGTGTCTGCAGTGTTGCCATCCCCCCTGGGGGTCCTGAGTGGG[A>T]CCTCACGGCCTCCCACGCCAACCTTGTCCCTAAAGCCAACACCACCTGCCCCAGTTCGCC-3'
Protein context (NP_006653.2, residues 1086-1106): LPSPLGVLSG[Thr1096Ser]SRPPTPTLSL

ClinVar aggregate classification (germline): Likely benign (1 of 4 stars; one submission).

Conditions:
Floating-Harbor syndrome (FLHS). Also called: Short stature with delayed bone age, expressive language delay, a triangular face with a prominent nose and deep-set eyes; Pelletier-Leisti syndrome; SRCAP-Related Floating-Harbor Syndrome. Identifiers: Orphanet 2044, MedGen C0729582, MONDO:0007621, OMIM 136140.

Submission:

Centre for Medical Genetics,  Mumbai
Classification: Likely benign for Floating-Harbor syndrome. Last evaluated: 2026-03-23. Review status: criteria provided, single submitter. Criteria: ACMG Guidelines, 2015. Collection method: provider interpretation. Allele origin: germline. Inheritance: Autosomal dominant inheritance. Affected: no. Observed: 1 variant allele, 1 heterozygote.
Comment: The variant satisfies PM2 criteria; Extremely low frequency in gnomAD population databases. However, the variant satisfies BS2 criteria.

Literature cited by the submitters: PubMed 22265015.